The following is an entry in ClinVar:

NM_206933.4(USH2A):c.14108T>C (p.Leu4703Ser)

Gene: USH2A (usherin; minus strand). Cytogenetic location: 1q41.
Variant type: single nucleotide variant.
Coding change: c.14108T>C on transcript NM_206933.4 (MANE Select); coding-DNA position 14108, T replaced by C.
Protein change: p.Leu4703Ser; replaces leucine 4703 with serine.
Molecular consequence: missense variant.
Genome position (GRCh38, 1-based): chr1:215,670,997, A>G on the plus strand (T>C on the coding strand, the complement: USH2A is on the minus strand). VCF-style: chr1-215670997-A-G. GRCh37 (hg19) VCF-style: chr1-215844339-A-G.
Other names: short protein forms L4703S.
Identifiers: ClinVar variation 166425 (VCV000166425.6), dbSNP rs369513607, ClinGen allele CA179505.
Genomic context (GRCh38, chr1:215,670,997, plus strand): 5'-ATCAGCTCGAATTGTTTATAATACACATTTCTTACCTGATACTCATACTCTGTGAAAGGC[A>G]ATAGTTCGGAATCTATAAAAGATGTTGAGCTTCCGTTATAGATTAGGACTGGATTGGATT-3'
Protein context (NP_996816.3, residues 4693-4713): SSTSFIDSEL[Leu4703Ser]PFTEYEYQVW

ClinVar aggregate classification (germline): Likely benign. Review status: criteria provided, single submitter (1 of 4 stars). 2 submissions from 2 submitters: Likely benign (1). 1 of the submissions does not count toward it. Last evaluated 2013-10-06.

Conditions:
Retinitis pigmentosa 39 (RP39). Identifiers: Orphanet 791, MedGen C3151138, MONDO:0013436, OMIM 613809.
Usher syndrome type 2A. Also called: RETINAL DISEASE IN USHER SYNDROME TYPE IIA, MODIFIER OF; USHER SYNDROME, TYPE IIA. Identifiers: Orphanet 231178, Orphanet 886, MedGen C1848634, MONDO:0010169, OMIM 276901.

Allele frequency attached by ClinVar (database versions not stated): gnomAD exomes below 0.00001; ExAC 0.00001; gnomAD 0.00001; TOPMed 0.00001; ESP Exome Variant Server 0.00008.
gnomAD v4.1: 2 of 1,614,066 alleles (0.00012%); highest among the groups gnomAD compares: Non-Finnish European, 0.00017%; no homozygotes.

Submissions (2):

Laboratory for Molecular Medicine, Mass General Brigham Personalized Medicine
Classification: Likely benign. Last evaluated: 2013-10-06. Review status: criteria provided, single submitter. Criteria: LMM Criteria. Collection method: clinical testing. Allele origin: germline. Observed: 1 variant allele.
Comment: Leu4703Ser in Exon 64 of USH2A: This variant is not expected to have clinical si gnificance due to a lack of conservation across species, including mammals. Of n ote, cat, dog, and megabat have a serine (Ser) at this position despite high nea rby amino acid conservation. In addition, computational analyses (PolyPhen2, SIF T, AlignGVGD) do not suggest a high likelihood of impact to the protein. This va riant has been identified in 0.01% (1/8600) of European American chromosomes by the NHLBI Exome Sequencing Project.

Counsyl
Classification: Uncertain significance for Usher syndrome type 2A; Retinitis pigmentosa 39. Last evaluated: 2017-07-25. Review status: no assertion criteria provided. Collection method: clinical testing. Allele origin: unknown. Not counted in ClinVar's aggregate classification.